The following is an entry in ClinVar:

NM_000368.5(TSC1):c.3237C>T (p.Gly1079=)

Gene: TSC1 (TSC complex subunit 1; minus strand). Cytogenetic location: 9q34.13.
Variant type: single nucleotide variant.
Coding change: c.3237C>T on transcript NM_000368.5 (MANE Select); coding-DNA position 3237, C replaced by T.
Protein change: p.Gly1079=; no amino-acid change (glycine 1079 retained).
Molecular consequence: synonymous variant.
Genome position (GRCh38, 1-based): chr9:132,896,493, G>A on the plus strand (C>T on the coding strand, the complement: TSC1 is on the minus strand). VCF-style: chr9-132896493-G-A. GRCh37 (hg19) VCF-style: chr9-135771880-G-A.
Other names: c.3234C>T, p.Gly1078= (NM_001162426.2); c.3084C>T, p.Gly1028= (NM_001162427.2); c.2874C>T, p.Gly958= (NM_001362177.2).
Identifiers: ClinVar variation 466126 (VCV000466126.26), dbSNP rs749995749, ClinGen allele CA036202.

ClinVar aggregate classification (germline): Benign/Likely benign. Review status: criteria provided, multiple submitters, no conflicts (2 of 4 stars). 6 submissions from 6 submitters: Benign (3); Likely benign (3). Last evaluated 2025-12-13.

Conditions:
Tuberous sclerosis syndrome (TSC). Also called: Tuberous Sclerosis Complex; Tuberous sclerosis. Identifiers: Orphanet 805, MedGen C0041341, MONDO:0001734.
Hereditary cancer-predisposing syndrome. Also called: Hereditary neoplastic syndrome; Neoplastic Syndromes, Hereditary; Tumor predisposition; Hereditary Cancer Syndrome. Identifiers: Orphanet 140162, MedGen C0027672, MeSH D009386, MONDO:0015356.
Tuberous sclerosis 1 (TSC1). Identifiers: Orphanet 805, MedGen C1854465, MONDO:0008612, OMIM 191100.

Allele frequency attached by ClinVar (database versions not stated): TOPMed below 0.00001; gnomAD exomes 0.00001 and 0.00002; ExAC 0.00002.
gnomAD v4.1: 5 of 1,614,226 alleles (0.00031%); highest among the groups gnomAD compares: Admixed American, 0.0067%; no homozygotes.

Submissions (6):

Labcorp Genetics (formerly Invitae), Labcorp
Classification: Benign for Tuberous sclerosis 1. Last evaluated: 2025-12-13. Review status: criteria provided, single submitter. Criteria: Invitae Variant Classification Sherloc (09022015). Collection method: clinical testing. Allele origin: germline.

Myriad Genetics, Inc.
Classification: Benign for Tuberous sclerosis 1. Last evaluated: 2025-04-30. Review status: criteria provided, single submitter. Criteria: Myriad Autosomal Dominant, Autosomal Recessive and X-Linked Classification Criteria (2023). Collection method: clinical testing. Allele origin: unknown.
Comment: This variant is considered benign. This variant is a silent/synonymous amino acid change and it is not expected to impact splicing.

All of Us Research Program, National Institutes of Health
Classification: Benign for Tuberous sclerosis syndrome. Last evaluated: 2023-08-25. Review status: criteria provided, single submitter. Criteria: ACMG Guidelines, 2015. Collection method: clinical testing. Allele origin: germline. Inheritance: Autosomal dominant inheritance. Observed: 2 variant alleles, 2 heterozygotes.
Comment: This study involves interpretation of variants in research participants for the purpose of population health screening. Participant phenotype was not available at the time of variant classification. Additional details can be found in publication PMID: 35346344, PMCID: PMC8962531

Genome-Nilou Lab
Classification: Likely benign for Tuberous sclerosis 1. Last evaluated: 2021-11-07. Review status: criteria provided, single submitter. Criteria: ACMG Guidelines, 2015. Collection method: clinical testing. Allele origin: germline. Affected: no.

ARUP Laboratories, Molecular Genetics and Genomics, ARUP Laboratories
Classification: Likely benign. Last evaluated: 2019-03-04. Review status: criteria provided, single submitter. Criteria: ARUP Molecular Germline Variant Investigation Process. Collection method: clinical testing. Allele origin: germline.

Ambry Genetics
Classification: Likely benign for Hereditary cancer-predisposing syndrome. Last evaluated: 2017-03-22. Review status: criteria provided, single submitter. Criteria: Ambry Variant Classification Scheme 2023. Collection method: clinical testing. Allele origin: germline.